The following is an entry in ClinVar:

ClinVar aggregate classification (germline): Pathogenic (1 of 4 stars; one submission).

Conditions:
Gorlin syndrome. Also called: Basal cell nevus syndrome; Nevoid Basal Cell Carcinoma Syndrome. Identifiers: Orphanet 377, MedGen C0004779, MONDO:0007187.

Submission:

Labcorp Genetics (formerly Invitae), Labcorp
Classification: Pathogenic for Gorlin syndrome. Last evaluated: 2023-06-15. Review status: criteria provided, single submitter. Criteria: Invitae Variant Classification Sherloc (09022015). Collection method: clinical testing. Allele origin: germline.
Comment: This variant is not present in population databases (gnomAD no frequency). This sequence change creates a premature translational stop signal (p.Gln196*) in the PTCH1 gene. It is expected to result in an absent or disrupted protein product. Loss-of-function variants in PTCH1 are known to be pathogenic (PMID: 16301862, 16419085). This variant has not been reported in the literature in individuals affected with PTCH1-related conditions. ClinVar contains an entry for this variant (Variation ID: 2091964). For these reasons, this variant has been classified as Pathogenic.

Literature cited by the submitters: PubMed 16301862; PubMed 16419085.

NM_000264.5(PTCH1):c.586C>T (p.Gln196Ter)

Gene: PTCH1 (patched 1; minus strand). Cytogenetic location: 9q22.32.
Variant type: single nucleotide variant.
Coding change: c.586C>T on transcript NM_000264.5 (MANE Select); coding-DNA position 586, C replaced by T.
Protein change: p.Gln196Ter; replaces glutamine 196 with a stop codon.
Molecular consequence: nonsense. On other transcripts: non-coding transcript variant (1).
Genome position (GRCh38, 1-based): chr9:95,482,202, G>A on the plus strand (C>T on the coding strand, the complement: PTCH1 is on the minus strand). VCF-style: chr9-95482202-G-A. GRCh37 (hg19) VCF-style: chr9-98244484-G-A.
Other names: c.388C>T, p.Gln130Ter (NM_001083602.3, NM_001354919.2); c.583C>T, p.Gln195Ter (NM_001083603.3); c.133C>T, p.Gln45Ter (NM_001083604.3, NM_001083605.3, NM_001083606.3 and 1 more transcripts); c.586C>T, p.Gln196Ter (NM_001354918.2); short protein forms Q130*, Q196*, Q195*, Q45*.
Identifiers: ClinVar variation 2091964 (VCV002091964.4), dbSNP rs2538248041, ClinGen allele CA374115166.